The following is an entry in ClinVar:

ClinVar aggregate classification (germline): Uncertain significance. Review status: criteria provided, multiple submitters, no conflicts (2 of 4 stars). 4 submissions from 4 submitters: Uncertain significance (3). 1 of the submissions does not count toward it. Last evaluated 2024-11-15.

Conditions:
NPC1-related disorder. Also called: NPC1-related condition.
Niemann-Pick disease, type C1. Also called: NEUROVISCERAL STORAGE DISEASE WITH VERTICAL SUPRANUCLEAR OPHTHALMOPLEGIA; NIEMANN-PICK DISEASE WITH CHOLESTEROL ESTERIFICATION BLOCK; NIEMANN-PICK DISEASE WITHOUT SPHINGOMYELINASE DEFICIENCY; NIEMANN-PICK DISEASE, CHRONIC NEURONOPATHIC FORM; NIEMANN-PICK DISEASE, VARIANT TYPE C1. Identifiers: Orphanet 646, MedGen C3179455, MONDO:0009757, OMIM 257220.

Allele frequency attached by ClinVar (database versions not stated): ExAC 0.00007; TOPMed 0.00007; gnomAD 0.00008 and 0.00009; gnomAD exomes 0.00008 and 0.00016; ESP Exome Variant Server 0.00023.
gnomAD v4.1: 255 of 1,614,082 alleles (0.016%); highest among the groups gnomAD compares: Non-Finnish European, 0.02%; no homozygotes.

Submissions (4):

PreventionGenetics, part of Exact Sciences
Classification: Uncertain significance for NPC1-related condition. Last evaluated: 2024-11-15. Review status: criteria provided, single submitter. Criteria: ACMG Guidelines, 2015. Collection method: clinical testing. Allele origin: germline.
Comment: The NPC1 c.553A>G variant is predicted to result in the amino acid substitution p.Asn185Asp. To our knowledge, this variant has not been reported in the literature. This variant is reported in 0.014% of alleles in individuals of European (Non-Finnish) descent in gnomAD. At this time, the clinical significance of this variant is uncertain due to the absence of conclusive functional and genetic evidence.

Labcorp Genetics (formerly Invitae), Labcorp
Classification: Uncertain significance for Niemann-Pick disease, type C1. Last evaluated: 2022-10-14. Review status: criteria provided, single submitter. Criteria: Invitae Variant Classification Sherloc (09022015). Collection method: clinical testing. Allele origin: germline.
Comment: This sequence change replaces asparagine, which is neutral and polar, with aspartic acid, which is acidic and polar, at codon 185 of the NPC1 protein (p.Asn185Asp). This variant is present in population databases (rs139485263, gnomAD 0.01%). This variant has not been reported in the literature in individuals affected with NPC1-related conditions. ClinVar contains an entry for this variant (Variation ID: 970033). Advanced modeling of protein sequence and biophysical properties (such as structural, functional, and spatial information, amino acid conservation, physicochemical variation, residue mobility, and thermodynamic stability) has been performed at Invitae for this missense variant, however the output from this modeling did not meet the statistical confidence thresholds required to predict the impact of this variant on NPC1 protein function. In summary, the available evidence is currently insufficient to determine the role of this variant in disease. Therefore, it has been classified as a Variant of Uncertain Significance.

Fulgent Genetics
Classification: Uncertain significance for Niemann-Pick disease, type C1. Last evaluated: 2021-09-03. Review status: criteria provided, single submitter. Criteria: ACMG Guidelines, 2015. Collection method: clinical testing. Allele origin: unknown.

Natera, Inc.
Classification: Uncertain significance for Niemann-Pick disease type C1. Last evaluated: 2020-01-27. Review status: no assertion criteria provided. Collection method: clinical testing. Allele origin: germline. Not counted in ClinVar's aggregate classification.

NM_000271.5(NPC1):c.553A>G (p.Asn185Asp)

Gene: NPC1 (NPC intracellular cholesterol transporter 1; minus strand). Cytogenetic location: 18q11.2.
Variant type: single nucleotide variant.
Coding change: c.553A>G on transcript NM_000271.5 (MANE Select); coding-DNA position 553, A replaced by G.
Protein change: p.Asn185Asp; replaces asparagine 185 with aspartic acid.
Molecular consequence: missense variant.
Genome position (GRCh38, 1-based): chr18:23,561,438, T>C on the plus strand (A>G on the coding strand, the complement: NPC1 is on the minus strand). VCF-style: chr18-23561438-T-C. GRCh37 (hg19) VCF-style: chr18-21141402-T-C.
Other names: short protein forms N185D.
Identifiers: ClinVar variation 970033 (VCV000970033.8), dbSNP rs139485263, ClinGen allele CA8913705.